The following is an entry in ClinVar:

ClinVar aggregate classification (germline): Uncertain significance. Review status: criteria provided, multiple submitters, no conflicts (2 of 4 stars). 2 submissions from 2 submitters: Uncertain significance (2). Last evaluated 2025-06-17.

Conditions:
Hereditary nonpolyposis colorectal neoplasms. Identifiers: MedGen C0009405, MeSH D003123.
Hereditary cancer-predisposing syndrome. Also called: Neoplastic Syndromes, Hereditary; Hereditary Cancer Syndrome; Hereditary neoplastic syndrome; Tumor predisposition. Identifiers: Orphanet 140162, MedGen C0027672, MeSH D009386, MONDO:0015356.

Submissions (2):

Labcorp Genetics (formerly Invitae), Labcorp
Classification: Uncertain significance for Hereditary nonpolyposis colorectal neoplasms. Last evaluated: 2025-06-17. Review status: criteria provided, single submitter. Criteria: Invitae Variant Classification Sherloc (09022015). Collection method: clinical testing. Allele origin: germline.
Comment: This sequence change replaces proline, which is neutral and non-polar, with leucine, which is neutral and non-polar, at codon 246 of the PMS2 protein (p.Pro246Leu). This variant is not present in population databases (gnomAD no frequency). This variant has not been reported in the literature in individuals affected with PMS2-related conditions. ClinVar contains an entry for this variant (Variation ID: 2566072). Invitae Evidence Modeling of protein sequence and biophysical properties (such as structural, functional, and spatial information, amino acid conservation, physicochemical variation, residue mobility, and thermodynamic stability) indicates that this missense variant is not expected to disrupt PMS2 protein function with a negative predictive value of 80%. In summary, the available evidence is currently insufficient to determine the role of this variant in disease. Therefore, it has been classified as a Variant of Uncertain Significance.

Ambry Genetics
Classification: Uncertain significance for Hereditary cancer-predisposing syndrome. Last evaluated: 2023-04-07. Review status: criteria provided, single submitter. Criteria: Ambry Variant Classification Scheme 2023. Collection method: clinical testing. Allele origin: germline.
Comment: The p.P246L variant (also known as c.737C>T), located in coding exon 7 of the PMS2 gene, results from a C to T substitution at nucleotide position 737. The proline at codon 246 is replaced by leucine, an amino acid with similar properties. This amino acid position is conserved. In addition, the in silico prediction for this alteration is inconclusive. Since supporting evidence is limited at this time, the clinical significance of this alteration remains unclear.

NM_000535.7(PMS2):c.737C>T (p.Pro246Leu)

Gene: PMS2 (PMS1 homolog 2, mismatch repair system component; minus strand). Cytogenetic location: 7p22.1.
Variant type: single nucleotide variant.
Coding change: c.737C>T on transcript NM_000535.7 (MANE Select); coding-DNA position 737, C replaced by T.
Protein change: p.Pro246Leu; replaces proline 246 with leucine.
Molecular consequence: missense variant. On other transcripts: 5 prime UTR variant (2), non-coding transcript variant (1), intron variant (3).
Genome position (GRCh38, 1-based): chr7:5,997,392, G>A on the plus strand (C>T on the coding strand, the complement: PMS2 is on the minus strand). VCF-style: chr7-5997392-G-A. GRCh37 (hg19) VCF-style: chr7-6037023-G-A.
Other names: c.332C>T, p.Pro111Leu (NM_001406889.1, NM_001406892.1, NM_001406890.1 and 20 more transcripts); c.737C>T, p.Pro246Leu (NM_001322006.2, NM_001322014.2, NM_001406870.1 and 3 more transcripts); c.419C>T, p.Pro140Leu (NM_001322007.2, NM_001322008.2, NM_001406876.1 and 4 more transcripts); c.-197C>T (NM_001322011.2, NM_001322012.2); c.164C>T, p.Pro55Leu (NM_001322013.2, NM_001406909.1); c.428C>T, p.Pro143Leu (NM_001322015.2, NM_001406875.1, NM_001406877.1 and 6 more transcripts); c.923C>T, p.Pro308Leu (NM_001406866.1); c.761C>T, p.Pro254Leu (NM_001406868.1); and 7 more; short protein forms P246L, P254L, P75L, P190L, P210L, P308L, P55L, P134L.
Identifiers: ClinVar variation 2566072 (VCV002566072.3), dbSNP rs1562670885, ClinGen allele CA366743736.